The following is an entry in ClinVar:

ClinVar aggregate classification (germline): Uncertain significance (1 of 4 stars; one submission).

gnomAD v4.1: 98 of 1,613,820 alleles (0.0061%); highest among the groups gnomAD compares: Admixed American, 0.012%; no homozygotes.

Submission:

Labcorp Genetics (formerly Invitae), Labcorp
Classification: Uncertain significance. Last evaluated: 2024-04-27. Review status: criteria provided, single submitter. Criteria: Invitae Variant Classification Sherloc (09022015). Collection method: clinical testing. Allele origin: germline.
Comment: This sequence change replaces arginine, which is basic and polar, with leucine, which is neutral and non-polar, at codon 1257 of the FAT1 protein (p.Arg1257Leu). This variant is present in population databases (rs188188069, gnomAD 0.02%). This variant has not been reported in the literature in individuals affected with FAT1-related conditions. An algorithm developed to predict the effect of missense changes on protein structure and function (PolyPhen-2) suggests that this variant is likely to be disruptive. In summary, the available evidence is currently insufficient to determine the role of this variant in disease. Therefore, it has been classified as a Variant of Uncertain Significance.

NM_005245.4(FAT1):c.3770G>T (p.Arg1257Leu)

Gene: FAT1 (FAT atypical cadherin 1; minus strand). Cytogenetic location: 4q35.2.
Variant type: single nucleotide variant.
Coding change: c.3770G>T on transcript NM_005245.4 (MANE Select); coding-DNA position 3770, G replaced by T.
Protein change: p.Arg1257Leu; replaces arginine 1257 with leucine.
Molecular consequence: missense variant.
Genome position (GRCh38, 1-based): chr4:186,636,787, C>A on the plus strand (G>T on the coding strand, the complement: FAT1 is on the minus strand). VCF-style: chr4-186636787-C-A. GRCh37 (hg19) VCF-style: chr4-187557941-C-A.
Other names: short protein forms R1257L.
Identifiers: ClinVar variation 3710165 (VCV003710165.2).
Genomic context (GRCh38, chr4:186,636,787, plus strand): 5'-GTGGCTATGACGTGATAGAGCGGCTCCCGTCTGGCATTTCTTTCTCGGTCTGGCTTTTCC[C>A]GCTCAGGGAGTCTGATTTTGTAGAACTTTTGCAGAAACTGAGGTTTGTTGTCATTTTCAT-3'
Protein context (NP_005236.2, residues 1247-1267): QKFYKIRLPE[Arg1257Leu]EKPDRERNAR